The following is an entry in ClinVar:

ClinVar aggregate classification (germline): Benign/Likely benign. Review status: criteria provided, multiple submitters, no conflicts (2 of 4 stars). 2 submissions from 2 submitters: Benign (1); Likely benign (1). Last evaluated 2024-09-05.

Conditions:
Hereditary cancer-predisposing syndrome. Also called: Tumor predisposition; Hereditary Cancer Syndrome; Neoplastic Syndromes, Hereditary; Hereditary neoplastic syndrome. Identifiers: Orphanet 140162, MedGen C0027672, MeSH D009386, MONDO:0015356.
Familial cancer of breast. Also called: Hereditary breast cancer; BREAST CANCER, FAMILIAL; hereditary breast carcinoma. Identifiers: Orphanet 227535, MedGen C0346153, MONDO:0016419, OMIM 114480. Disease mechanism: loss of function.

Submissions (2):

Myriad Genetics, Inc.
Classification: Benign for Familial cancer of breast. Last evaluated: 2024-09-05. Review status: criteria provided, single submitter. Criteria: Myriad Autosomal Dominant, Autosomal Recessive and X-Linked Classification Criteria (2023). Collection method: clinical testing. Allele origin: unknown.
Comment: This variant is considered benign. This variant is a silent/synonymous amino acid change and it is not expected to impact splicing.

Ambry Genetics
Classification: Likely benign for Hereditary cancer-predisposing syndrome. Last evaluated: 2021-10-03. Review status: criteria provided, single submitter. Criteria: Ambry Variant Classification Scheme 2023. Collection method: clinical testing. Allele origin: germline.

NM_032043.3(BRIP1):c.2544C>T (p.Arg848=)

Gene: BRIP1 (BRCA1 interacting DNA helicase 1; minus strand). Cytogenetic location: 17q23.2.
Variant type: single nucleotide variant.
Coding change: c.2544C>T on transcript NM_032043.3 (MANE Select); coding-DNA position 2544, C replaced by T.
Protein change: p.Arg848=; no amino-acid change (arginine 848 retained).
Molecular consequence: synonymous variant.
Genome position (GRCh38, 1-based): chr17:61,693,461, G>A on the plus strand (C>T on the coding strand, the complement: BRIP1 is on the minus strand). VCF-style: chr17-61693461-G-A. GRCh37 (hg19) VCF-style: chr17-59770822-G-A.
Identifiers: ClinVar variation 1792869 (VCV001792869.3), dbSNP rs2544604138, ClinGen allele CA501144636.
Genomic context (GRCh38, chr17:61,693,461, plus strand): 5'-TTTTACTCTAAGCCCAGCTGAGATCTTACCAGATATATAGCGACTTGGGTTATTCCTAAA[G>A]CGATCATCCACTAGAATAAGAGCTCCCCAATCATTTCTGTGTCTAATACATCTAGAAAAA-3'
Protein context (NP_114432.2, residues 838-858): DWGALILVDD[Arg848=]FRNNPSRYIS